The following is an entry in ClinVar:

NM_022041.4(GAN):c.1237-3C>G

Gene: GAN (gigaxonin; plus strand). Cytogenetic location: 16q23.2.
Variant type: single nucleotide variant.
Coding change: c.1237-3C>G on transcript NM_022041.4 (MANE Select); 3 bases into the intron before coding-DNA position 1237, C replaced by G.
Molecular consequence: intron variant.
Genome position (GRCh38, 1-based): chr16:81,364,971, C>G. VCF-style: chr16-81364971-C-G. GRCh37 (hg19) VCF-style: chr16-81398576-C-G.
Other names: c.598-3C>G (NM_001377486.1).
Identifiers: ClinVar variation 3767271 (VCV003767271.2).
Genomic context (GRCh38, chr16:81,364,971, plus strand): 5'-ATCTGTTCACCTGACCTGAATGAGAAATGTTGCCTCTCCCCCACCATTGTTCTCTGCTTT[C>G]AGATCGGCTGCTATGCAGCTATGAAAAAGAAAATCTACGCCATGGGTGGAGGCTCCTACG-3'

ClinVar aggregate classification (germline): Likely pathogenic (1 of 4 stars; one submission).

Conditions:
Giant axonal neuropathy 1 (GAN1). Also called: GIANT AXONAL NEUROPATHY 1, AUTOSOMAL RECESSIVE; GAN-Related Neurodegeneration. Identifiers: Orphanet 643, MedGen C1850386, MONDO:0009749, OMIM 256850.

Submission:

Medical Genetics, Christian Medical College
Classification: Likely pathogenic for Giant axonal neuropathy 1. Review status: criteria provided, single submitter. Criteria: ACMG Guidelines, 2015. Collection method: clinical testing. Allele origin: germline. Inheritance: Autosomal recessive inheritance. Affected: yes. Observed: 1 homozygote.
Comment: This variant has not been reported in the 1000 genomes, gnomAD (v3.1), gnomdAD (v2.1), topmed databases. The reference base is conserved across species.